The following is an entry in ClinVar:

NM_000368.5(TSC1):c.3225C>T (p.Pro1075=)

Gene: TSC1 (TSC complex subunit 1; minus strand). Cytogenetic location: 9q34.13.
Variant type: single nucleotide variant.
Coding change: c.3225C>T on transcript NM_000368.5 (MANE Select); coding-DNA position 3225, C replaced by T.
Protein change: p.Pro1075=; no amino-acid change (proline 1075 retained).
Molecular consequence: synonymous variant. On other transcripts: non-coding transcript variant (5).
Genome position (GRCh38, 1-based): chr9:132,896,505, G>A on the plus strand (C>T on the coding strand, the complement: TSC1 is on the minus strand). VCF-style: chr9-132896505-G-A. GRCh37 (hg19) VCF-style: chr9-135771892-G-A.
Other names: c.3222C>T, p.Pro1074= (NM_001162426.2, NM_001406597.1, NM_001406598.1 and 2 more transcripts); c.3072C>T, p.Pro1024= (NM_001162427.2, NM_001406610.1); c.2862C>T, p.Pro954= (NM_001362177.2, NM_001406614.1, NM_001406615.1 and 4 more transcripts); c.3225C>T, p.Pro1075= (NM_001406592.1, NM_001406593.1, NM_001406594.1 and 2 more transcripts); c.3210C>T, p.Pro1070= (NM_001406601.1, NM_001406602.1); c.3207C>T, p.Pro1069= (NM_001406603.1, NM_001406604.1); c.3183C>T, p.Pro1061= (NM_001406605.1, NM_001406606.1, NM_001406607.1); c.3180C>T, p.Pro1060= (NM_001406608.1, NM_001406609.1); and 8 more.
Identifiers: ClinVar variation 2418144 (VCV002418144.7), dbSNP rs2131600409, ClinGen allele CA467812708.
Genomic context (GRCh38, chr9:132,896,505, plus strand): 5'-TAACTCTCGAGCCTTCATACCCAGGAAGCTTTTTGAACTGGGAAGTGAGCCCACAGTGGT[G>A]GGGATGCTGGCAGACGCTTCTCCCATAGTCGTCTCCCACCGACTGCTGAATGGGCCTGCC-3'
Protein context (NP_000359.1, residues 1065-1085): TTMGEASASI[Pro1075=]TTVGSLPSSK

ClinVar aggregate classification (germline): Benign/Likely benign. Review status: criteria provided, multiple submitters, no conflicts (2 of 4 stars). 3 submissions from 3 submitters: Benign (1); Likely benign (2). Last evaluated 2025-04-30.

Conditions:
Hereditary cancer-predisposing syndrome. Also called: Hereditary neoplastic syndrome; Tumor predisposition; Neoplastic Syndromes, Hereditary; Hereditary Cancer Syndrome. Identifiers: Orphanet 140162, MedGen C0027672, MeSH D009386, MONDO:0015356.
Tuberous sclerosis 1 (TSC1). Identifiers: Orphanet 805, MedGen C1854465, MONDO:0008612, OMIM 191100.

Allele frequency attached by ClinVar (database versions not stated): gnomAD exomes below 0.00001.

Submissions (3):

Myriad Genetics, Inc.
Classification: Benign for Tuberous sclerosis 1. Last evaluated: 2025-04-30. Review status: criteria provided, single submitter. Criteria: Myriad Autosomal Dominant, Autosomal Recessive and X-Linked Classification Criteria (2023). Collection method: clinical testing. Allele origin: unknown.
Comment: This variant is considered benign. This variant is a silent/synonymous amino acid change and it is not expected to impact splicing.

Labcorp Genetics (formerly Invitae), Labcorp
Classification: Likely benign for Tuberous sclerosis 1. Last evaluated: 2024-11-30. Review status: criteria provided, single submitter. Criteria: Invitae Variant Classification Sherloc (09022015). Collection method: clinical testing. Allele origin: germline.

Ambry Genetics
Classification: Likely benign for Hereditary cancer-predisposing syndrome. Last evaluated: 2024-09-22. Review status: criteria provided, single submitter. Criteria: Ambry Variant Classification Scheme 2023. Collection method: clinical testing. Allele origin: germline.